The following is an entry in ClinVar:

NM_006516.4(SLC2A1):c.952A>C (p.Thr318Pro)

Gene: SLC2A1 (solute carrier family 2 member 1; minus strand). Cytogenetic location: 1p34.2.
Variant type: single nucleotide variant.
Coding change: c.952A>C on transcript NM_006516.4 (MANE Select); coding-DNA position 952, A replaced by C.
Protein change: p.Thr318Pro; replaces threonine 318 with proline.
Molecular consequence: missense variant.
Genome position (GRCh38, 1-based): chr1:42,929,230, T>G on the plus strand (A>C on the coding strand, the complement: SLC2A1 is on the minus strand). VCF-style: chr1-42929230-T-G. GRCh37 (hg19) VCF-style: chr1-43394901-T-G.
Other names: short protein forms T318P.
Identifiers: ClinVar variation 2704072 (VCV002704072.3), dbSNP rs2524989922, ClinGen allele CA339956421.
Genomic context (GRCh38, chr1:42,929,230, plus strand): 5'-CCTGGGGTTTGGCTGGGGGGGCCAGTAAGCAAAGACTCACCGACACGACAGTGAAGGCCG[T>G]GTTGACGATACCGGAGCCAATGGTGGCATACACAGGCTGCTGCACCCCCGCCTTCTCGAA-3'
Protein context (NP_006507.2, residues 308-328): YATIGSGIVN[Thr318Pro]AFTVVSLFVV

ClinVar aggregate classification (germline): Uncertain significance (1 of 4 stars; one submission).

Conditions:
GLUT1 deficiency syndrome 1, autosomal recessive. Identifiers: MedGen C3149117.

Submission:

Labcorp Genetics (formerly Invitae), Labcorp
Classification: Uncertain significance for GLUT1 deficiency syndrome 1, autosomal recessive. Last evaluated: 2023-12-19. Review status: criteria provided, single submitter. Criteria: Invitae Variant Classification Sherloc (09022015). Collection method: clinical testing. Allele origin: germline.
Comment: This sequence change replaces threonine, which is neutral and polar, with proline, which is neutral and non-polar, at codon 318 of the SLC2A1 protein (p.Thr318Pro). This variant is not present in population databases (gnomAD no frequency). This variant has not been reported in the literature in individuals affected with SLC2A1-related conditions. Advanced modeling of protein sequence and biophysical properties (such as structural, functional, and spatial information, amino acid conservation, physicochemical variation, residue mobility, and thermodynamic stability) performed at Invitae indicates that this missense variant is expected to disrupt SLC2A1 protein function with a positive predictive value of 95%. In summary, the available evidence is currently insufficient to determine the role of this variant in disease. Therefore, it has been classified as a Variant of Uncertain Significance.